The following is an entry in ClinVar:

NM_001378454.1(ALMS1):c.2687A>T (p.Gln896Leu)

Gene: ALMS1 (ALMS1 centrosome and basal body associated protein; plus strand). Cytogenetic location: 2p13.1.
Variant type: single nucleotide variant.
Coding change: c.2687A>T on transcript NM_001378454.1 (MANE Select); coding-DNA position 2687, A replaced by T.
Protein change: p.Gln896Leu; replaces glutamine 896 with leucine.
Molecular consequence: missense variant.
Genome position (GRCh38, 1-based): chr2:73,449,214, A>T. VCF-style: chr2-73449214-A-T. GRCh37 (hg19) VCF-style: chr2-73676341-A-T.
Other names: c.2690A>T, p.Gln897Leu (NM_015120.4); short protein forms Q897L, Q896L.
Identifiers: ClinVar variation 1389659 (VCV001389659.5), dbSNP rs1671874811, ClinGen allele CA347271226.

ClinVar aggregate classification (germline): Uncertain significance (1 of 4 stars; one submission).

Conditions:
Alstrom syndrome (ALMS). Identifiers: Orphanet 64, MedGen C0268425, MONDO:0008763, OMIM 203800.

Allele frequency attached by ClinVar (database versions not stated): gnomAD exomes below 0.00001.
gnomAD v4.1: 1 of 1,614,160 alleles (0.000062%); highest among the groups gnomAD compares: African/African-American, 0.0013%; no homozygotes.

Submission:

Labcorp Genetics (formerly Invitae), Labcorp
Classification: Uncertain significance for Alstrom syndrome. Last evaluated: 2022-10-04. Review status: criteria provided, single submitter. Criteria: Invitae Variant Classification Sherloc (09022015). Collection method: clinical testing. Allele origin: germline.
Comment: This sequence change replaces glutamine, which is neutral and polar, with leucine, which is neutral and non-polar, at codon 897 of the ALMS1 protein (p.Gln897Leu). This variant is not present in population databases (gnomAD no frequency). This variant has not been reported in the literature in individuals affected with ALMS1-related conditions. ClinVar contains an entry for this variant (Variation ID: 1389659). Experimental studies and prediction algorithms are not available or were not evaluated, and the functional significance of this variant is currently unknown. In summary, the available evidence is currently insufficient to determine the role of this variant in disease. Therefore, it has been classified as a Variant of Uncertain Significance.